The following is an entry in ClinVar:

NM_018979.4(WNK1):c.4320C>T (p.Ile1440=)

Gene: WNK1 (WNK lysine deficient protein kinase 1; plus strand). Cytogenetic location: 12p13.33.
Variant type: single nucleotide variant.
Coding change: c.4320C>T on transcript NM_018979.4 (MANE Select); coding-DNA position 4320, C replaced by T.
Protein change: p.Ile1440=; no amino-acid change (isoleucine 1440 retained).
Molecular consequence: synonymous variant.
Genome position (GRCh38, 1-based): chr12:885,124, C>T. VCF-style: chr12-885124-C-T. GRCh37 (hg19) VCF-style: chr12-994290-C-T.
Other names: c.5100C>T, p.Ile1700= (NM_001184985.2); c.3579C>T, p.Ile1193= (NM_014823.3); c.5076C>T, p.Ile1692= (NM_213655.5).
Identifiers: ClinVar variation 310827 (VCV000310827.41), dbSNP rs72650730, ClinGen allele CA6382951.

ClinVar aggregate classification (germline): Benign/Likely benign. Review status: criteria provided, multiple submitters, no conflicts (2 of 4 stars). 9 submissions from 9 submitters: Benign (1); Likely benign (6). 2 of the submissions do not count toward it. Last evaluated 2025-09-29.

Conditions:
Pseudohypoaldosteronism type 2C (PHA2C). Also called: Pseudohypoaldosteronism Type IIC. Identifiers: Orphanet 757, Orphanet 88940, MedGen C1840391, MONDO:0013778, OMIM 614492.
Neuropathy, hereditary sensory and autonomic, type 2A (HSAN2A). Also called: MORVAN DISEASE; NEUROPATHY, CONGENITAL SENSORY; NEUROPATHY, HEREDITARY SENSORY RADICULAR, AUTOSOMAL RECESSIVE; NEUROPATHY, HEREDITARY SENSORY, TYPE IIA; NEUROPATHY, PROGRESSIVE SENSORY, OF CHILDREN; ACROOSTEOLYSIS, GIACCAI TYPE. Identifiers: Orphanet 970, MedGen C2752089, MONDO:0024309, OMIM 201300.
WNK1-related disorder. Also called: WNK1-related condition.

Allele frequency attached by ClinVar (database versions not stated): TOPMed 0.00033; ESP Exome Variant Server 0.00038; gnomAD exomes 0.00055; ExAC 0.00057.
gnomAD v4.1: 987 of 1,614,196 alleles (0.061%); highest among the groups gnomAD compares: Non-Finnish European, 0.071%; 1 homozygote.

Submissions (9):

Labcorp Genetics (formerly Invitae), Labcorp
Classification: Likely benign for Neuropathy, hereditary sensory and autonomic, type 2A; Pseudohypoaldosteronism type 2C. Last evaluated: 2025-09-29. Review status: criteria provided, single submitter. Criteria: Invitae Variant Classification Sherloc (09022015). Collection method: clinical testing. Allele origin: germline.

PreventionGenetics, part of Exact Sciences
Classification: Likely benign for WNK1-related condition. Last evaluated: 2025-06-26. Review status: criteria provided, single submitter. Criteria: ACMG Guidelines, 2015. Collection method: clinical testing. Allele origin: germline.
Comment: This variant is classified as likely benign based on ACMG/AMP sequence variant interpretation guidelines (Richards et al. 2015 PMID: 25741868, with internal and published modifications).

Women's Health and Genetics/Laboratory Corporation of America, LabCorp
Classification: Likely benign. Last evaluated: 2025-03-19. Review status: criteria provided, single submitter. Criteria: LabCorp Variant Classification Summary - May 2015. Collection method: clinical testing. Allele origin: germline.

Blueprint Genetics
Classification: Likely benign. Last evaluated: 2024-11-21. Review status: criteria provided, single submitter. Criteria: ACMG Guidelines, 2015. Collection method: clinical testing. Allele origin: germline.

CeGaT Center for Human Genetics Tuebingen
Classification: Likely benign. Last evaluated: 2024-05-01. Review status: criteria provided, single submitter. Criteria: CeGaT Center For Human Genetics Tuebingen Variant Classification Criteria Version 2. Collection method: clinical testing. Allele origin: germline. Affected: yes. Observed: 1 variant allele.
Comment: WNK1: BP4, BP7

Fulgent Genetics
Classification: Likely benign for Neuropathy, hereditary sensory and autonomic, type 2A; Pseudohypoaldosteronism type 2C. Last evaluated: 2022-03-23. Review status: criteria provided, single submitter. Criteria: ACMG Guidelines, 2015. Collection method: clinical testing. Allele origin: unknown.

Illumina Laboratory Services, Illumina
Classification: Benign for Pseudohypoaldosteronism type 2C. Last evaluated: 2018-01-13. Review status: criteria provided, single submitter. Criteria: ICSL Variant Classification Criteria 13 December 2019. Collection method: clinical testing. Allele origin: germline.
Comment: This variant was observed in the ICSL laboratory as part of a predisposition screen in an ostensibly healthy population. It had not been previously curated by ICSL or reported in the Human Gene Mutation Database (HGMD: prior to June 1st, 2018), and was therefore a candidate for classification through an automated scoring system. Utilizing variant allele frequency, disease prevalence and penetrance estimates, and inheritance mode, an automated score was calculated to assess if this variant is too frequent to cause the disease. Based on the score and internal cut-off values, a variant classified as benign is not then subjected to further curation. The score for this variant resulted in a classification of benign for this disease.

Clinical Genetics, Academic Medical Center
Classification: Likely benign. Review status: no assertion criteria provided. Collection method: clinical testing. Allele origin: germline. Affected: yes. Study: VKGL Data-share Consensus. Not counted in ClinVar's aggregate classification.

Genome Diagnostics Laboratory, University Medical Center Utrecht
Classification: Likely benign. Review status: no assertion criteria provided. Collection method: clinical testing. Allele origin: germline. Affected: yes. Study: VKGL Data-share Consensus. Not counted in ClinVar's aggregate classification.